The following is an entry in ClinVar:

NM_005732.4(RAD50):c.2357A>G (p.Lys786Arg)

Gene: RAD50 (RAD50 double strand break repair protein; plus strand). Cytogenetic location: 5q31.1.
Variant type: single nucleotide variant.
Coding change: c.2357A>G on transcript NM_005732.4 (MANE Select); coding-DNA position 2357, A replaced by G.
Protein change: p.Lys786Arg; replaces lysine 786 with arginine.
Molecular consequence: missense variant.
Genome position (GRCh38, 1-based): chr5:132,603,449, A>G. VCF-style: chr5-132603449-A-G. GRCh37 (hg19) VCF-style: chr5-131939141-A-G.
Other names: short protein forms K786R.
Identifiers: ClinVar variation 1371243 (VCV001371243.8), dbSNP rs1750924647, ClinGen allele CA360954903.

ClinVar aggregate classification (germline): Uncertain significance (1 of 4 stars; one submission).

Conditions:
Hereditary cancer-predisposing syndrome. Also called: Neoplastic Syndromes, Hereditary; Tumor predisposition; Hereditary neoplastic syndrome; Hereditary Cancer Syndrome. Identifiers: Orphanet 140162, MedGen C0027672, MeSH D009386, MONDO:0015356.

Allele frequency attached by ClinVar (database versions not stated): gnomAD 0.00001.
gnomAD v4.1: 1 of 1,613,858 alleles (0.000062%); highest among the groups gnomAD compares: Non-Finnish European, 0.000085%; no homozygotes.

Submission:

Labcorp Genetics (formerly Invitae), Labcorp
Classification: Uncertain significance for Hereditary cancer-predisposing syndrome. Last evaluated: 2021-02-12. Review status: criteria provided, single submitter. Criteria: Invitae Variant Classification Sherloc (09022015). Collection method: clinical testing. Allele origin: germline.
Comment: In summary, the available evidence is currently insufficient to determine the role of this variant in disease. Therefore, it has been classified as a Variant of Uncertain Significance. Algorithms developed to predict the effect of missense changes on protein structure and function (SIFT, PolyPhen-2, Align-GVGD) all suggest that this variant is likely to be tolerated, but these predictions have not been confirmed by published functional studies and their clinical significance is uncertain. This variant has not been reported in the literature in individuals with RAD50-related conditions. This variant is not present in population databases (ExAC no frequency). This sequence change replaces lysine with arginine at codon 786 of the RAD50 protein (p.Lys786Arg). The lysine residue is moderately conserved and there is a small physicochemical difference between lysine and arginine.